The following is an entry in ClinVar:

NM_001364564.1(SALL2):c.590T>C (p.Met197Thr)

Gene: SALL2 (spalt like transcription factor 2; minus strand). Cytogenetic location: 14q11.2.
Variant type: single nucleotide variant.
Coding change: c.590T>C on transcript NM_001364564.1 (MANE Select); coding-DNA position 590, T replaced by C.
Protein change: p.Met197Thr; replaces methionine 197 with threonine.
Molecular consequence: missense variant. On other transcripts: intron variant (2).
Genome position (GRCh38, 1-based): chr14:21,525,132, A>G on the plus strand (T>C on the coding strand, the complement: SALL2 is on the minus strand). VCF-style: chr14-21525132-A-G. GRCh37 (hg19) VCF-style: chr14-21993266-A-G.
Other names: c.596T>C, p.Met199Thr (NM_005407.3); c.392-201T>C (NM_001291446.2); c.386-201T>C (NM_001291447.2); short protein forms M197T, M199T.
Identifiers: ClinVar variation 4731549 (VCV004731549.1).

ClinVar aggregate classification (germline): Uncertain significance (1 of 4 stars; one submission).

Submission:

Labcorp Genetics (formerly Invitae), Labcorp
Classification: Uncertain significance. Last evaluated: 2025-11-25. Review status: criteria provided, single submitter. Criteria: Invitae Variant Classification Sherloc (09022015). Collection method: clinical testing. Allele origin: germline.
Comment: This sequence change replaces methionine, which is neutral and non-polar, with threonine, which is neutral and polar, at codon 199 of the SALL2 protein (p.Met199Thr). This variant is not present in population databases (gnomAD no frequency). This variant has not been reported in the literature in individuals affected with SALL2-related conditions. An algorithm developed to predict the effect of missense changes on protein structure and function (PolyPhen-2) suggests that this variant is likely to be disruptive. In summary, the available evidence is currently insufficient to determine the role of this variant in disease. Therefore, it has been classified as a Variant of Uncertain Significance.